The following is an entry in ClinVar:

NM_005445.4(SMC3):c.3365T>C (p.Leu1122Ser)

Gene: SMC3 (structural maintenance of chromosomes 3; plus strand). Cytogenetic location: 10q25.2.
Variant type: single nucleotide variant.
Coding change: c.3365T>C on transcript NM_005445.4 (MANE Select); coding-DNA position 3365, T replaced by C.
Protein change: p.Leu1122Ser; replaces leucine 1122 with serine.
Molecular consequence: missense variant.
Genome position (GRCh38, 1-based): chr10:110,602,892, T>C. VCF-style: chr10-110602892-T-C. GRCh37 (hg19) VCF-style: chr10-112362650-T-C.
Other names: short protein forms L1122S.
Identifiers: ClinVar variation 2635101 (VCV002635101.1), dbSNP rs2493149956, ClinGen allele CA378395093.

ClinVar aggregate classification (germline): Uncertain significance (1 of 4 stars; one submission).

Conditions:
SMC3-related disorder. Also called: SMC3-related condition.

Allele frequency attached by ClinVar (database versions not stated): gnomAD exomes below 0.00001.
gnomAD v4.1: 2 of 1,613,944 alleles (0.00012%); highest among the groups gnomAD compares: Non-Finnish European, 0.00017%; no homozygotes.

Submission:

PreventionGenetics, part of Exact Sciences
Classification: Uncertain significance for SMC3-related condition. Last evaluated: 2022-12-19. Review status: criteria provided, single submitter. Criteria: ACMG Guidelines, 2015. Collection method: clinical testing. Allele origin: germline.
Comment: The SMC3 c.3365T>C variant is predicted to result in the amino acid substitution p.Leu1122Ser. To our knowledge, this variant has not been reported in the literature or in a large population database, indicating this variant is rare. At this time, the clinical significance of this variant is uncertain due to the absence of conclusive functional and genetic evidence.